The following is an entry in ClinVar:

NM_016653.3(MAP3K20):c.623G>A (p.Gly208Asp)

Genes: MAP3K20 (mitogen-activated protein kinase kinase kinase 20; plus strand), MAP3K20-AS1 (MAP3K20 antisense RNA 1; minus strand). Cytogenetic location: 2q31.1.
Variant type: single nucleotide variant.
Coding change: c.623G>A on transcript NM_016653.3 (MANE Select); coding-DNA position 623, G replaced by A.
Protein change: p.Gly208Asp; replaces glycine 208 with aspartic acid.
Molecular consequence: missense variant. On other transcripts: non-coding transcript variant (1).
Genome position (GRCh38, 1-based): chr2:173,198,066, G>A. VCF-style: chr2-173198066-G-A. GRCh37 (hg19) VCF-style: chr2-174062794-G-A.
Other names: c.623G>A, p.Gly208Asp (NM_133646.3); short protein forms G208D.
Identifiers: ClinVar variation 1351822 (VCV001351822.3), dbSNP rs200986698, ClinGen allele CA1970454.

ClinVar aggregate classification (germline): Uncertain significance (1 of 4 stars; one submission).

Allele frequency attached by ClinVar (database versions not stated): TOPMed 0.00009; gnomAD 0.00011; 1000 Genomes Project 30x 0.00016; gnomAD exomes 0.00016; ExAC 0.00018; 1000 Genomes Project 0.00020.
gnomAD v4.1: 316 of 1,613,084 alleles (0.02%); highest among the groups gnomAD compares: Non-Finnish European, 0.026%; no homozygotes.

Submission:

Labcorp Genetics (formerly Invitae), Labcorp
Classification: Uncertain significance. Last evaluated: 2022-11-01. Review status: criteria provided, single submitter. Criteria: Invitae Variant Classification Sherloc (09022015). Collection method: clinical testing. Allele origin: germline.
Comment: This sequence change replaces glycine, which is neutral and non-polar, with aspartic acid, which is acidic and polar, at codon 208 of the MAP3K20 protein (p.Gly208Asp). This variant is present in population databases (rs200986698, gnomAD 0.03%). This variant has not been reported in the literature in individuals affected with MAP3K20-related conditions. ClinVar contains an entry for this variant (Variation ID: 1351822). Advanced modeling of protein sequence and biophysical properties (such as structural, functional, and spatial information, amino acid conservation, physicochemical variation, residue mobility, and thermodynamic stability) performed at Invitae indicates that this missense variant is not expected to disrupt MAP3K20 protein function. In summary, the available evidence is currently insufficient to determine the role of this variant in disease. Therefore, it has been classified as a Variant of Uncertain Significance.